The following is an entry in ClinVar:

ClinVar aggregate classification (germline): Uncertain significance (1 of 4 stars; one submission).

Conditions:
Dyskeratosis congenita, autosomal dominant 2. Identifiers: MedGen C3151443, MONDO:0013521, OMIM 613989.
Idiopathic Pulmonary Fibrosis. Also called: Idiopathic fibrosing alveolitis, chronic form; idiopathic fibrosing alveolitis. Identifiers: Orphanet 2032, MedGen C1800706, MeSH D054990, MONDO:0800504.

Submission:

Labcorp Genetics (formerly Invitae), Labcorp
Classification: Uncertain significance for Dyskeratosis congenita, autosomal dominant 2; Idiopathic Pulmonary Fibrosis. Last evaluated: 2020-04-14. Review status: criteria provided, single submitter. Criteria: Invitae Variant Classification Sherloc (09022015). Collection method: clinical testing. Allele origin: germline.
Comment: Algorithms developed to predict the effect of missense changes on protein structure and function are either unavailable or do not agree on the potential impact of this missense change (SIFT: "Tolerated"; PolyPhen-2: "Possibly Damaging"; Align-GVGD: "Class C0"). In summary, the available evidence is currently insufficient to determine the role of this variant in disease. Therefore, it has been classified as a Variant of Uncertain Significance. This variant has not been reported in the literature in individuals with TERT-related conditions. This variant is not present in population databases (ExAC no frequency). This sequence change replaces threonine with isoleucine at codon 765 of the TERT protein (p.Thr765Ile). The threonine residue is moderately conserved and there is a moderate physicochemical difference between threonine and isoleucine.

NM_198253.3(TERT):c.2294C>T (p.Thr765Ile)

Gene: TERT (telomerase reverse transcriptase; minus strand). Cytogenetic location: 5p15.33.
Variant type: single nucleotide variant.
Coding change: c.2294C>T on transcript NM_198253.3 (MANE Select); coding-DNA position 2294, C replaced by T.
Protein change: p.Thr765Ile; replaces threonine 765 with isoleucine.
Molecular consequence: missense variant.
Genome position (GRCh38, 1-based): chr5:1,272,273, G>A on the plus strand (C>T on the coding strand, the complement: TERT is on the minus strand). VCF-style: chr5-1272273-G-A. GRCh37 (hg19) VCF-style: chr5-1272388-G-A.
Other names: c.2294C>T, p.Thr765Ile (NM_001193376.3); short protein forms T765I.
Identifiers: ClinVar variation 1038683 (VCV001038683.9), dbSNP rs1749100008, ClinGen allele CA359076485.